The following is an entry in ClinVar:

ClinVar aggregate classification (germline): Pathogenic. Review status: criteria provided, single submitter (1 of 4 stars). 2 submissions from 2 submitters: Pathogenic (1). 1 of the submissions does not count toward it. Last evaluated 2024-12-07.

Conditions:
Encephalopathy, acute, infection-induced (herpes-specific), susceptibility to, 1. Also called: Herpes simplex encephalitis, susceptibility to, 1. Identifiers: Orphanet 1930, MedGen C2750180, MONDO:0024563, OMIM 610551.

Submissions (2):

Labcorp Genetics (formerly Invitae), Labcorp
Classification: Pathogenic for Encephalopathy, acute, infection-induced (herpes-specific), susceptibility to, 1. Last evaluated: 2024-12-07. Review status: criteria provided, single submitter. Criteria: Invitae Variant Classification Sherloc (09022015). Collection method: clinical testing. Allele origin: germline.
Comment: This sequence change creates a premature translational stop signal (p.Phe346Leufs*102) in the UNC93B1 gene. It is expected to result in an absent or disrupted protein product. Loss-of-function variants in UNC93B1 are known to be pathogenic (PMID: 16973841). This variant is present in population databases (rs759883057, gnomAD 0.007%). This premature translational stop signal has been observed in individual(s) with clinical features of herpes simplex virus encephalitis (PMID: 16973841). This variant is also known as c.1034del4. For these reasons, this variant has been classified as Pathogenic.

OMIM
Classification: risk factor for ENCEPHALOPATHY, ACUTE, INFECTION-INDUCED (HERPES-SPECIFIC), SUSCEPTIBILITY TO, 1. Last evaluated: 2006-10-13. Review status: no assertion criteria provided. Collection method: literature only. Allele origin: germline. Not counted in ClinVar's aggregate classification.

Literature cited by the submitters: PubMed 16973841 (cited by Labcorp Genetics (formerly Invitae), Labcorp and OMIM).

NM_030930.4(UNC93B1):c.1038_1041del (p.Phe346fs)

Gene: UNC93B1 (unc-93B1 regulator of TLR signaling; minus strand). Cytogenetic location: 11q13.2.
Variant type: Microsatellite.
Coding change: c.1038_1041del on transcript NM_030930.4 (MANE Select); coding-DNA positions 1038 to 1041, 4 bases deleted (CTTT; older notation c.1038_1041delCTTT).
Protein change: p.Phe346fs; shifts the reading frame from phenylalanine 346.
Molecular consequence: frameshift variant.
Genome position (GRCh38, 1-based): chr11:67,996,650-67,996,653, AAAG deleted on the plus strand (CTTT on the coding strand, the reverse complement: UNC93B1 is on the minus strand); deleting any 4 consecutive bases within chr11:67,996,650-67,996,657 gives the same sequence; the c. name uses the placement nearest the transcript's 3' end. VCF-style (leftmost placement, unchanged base first): chr11-67996649-TAAAG-T. GRCh37 (hg19) VCF-style: chr11-67764120-TAAAG-T.
Other names: 4-BP DEL, 1034CTTT; short protein forms F346fs.
Identifiers: ClinVar variation 1443637 (VCV001443637.9), dbSNP rs759883057, ClinGen allele CA224212967.